The following is an entry in ClinVar:

ClinVar aggregate classification (germline): Uncertain significance. Review status: criteria provided, single submitter (1 of 4 stars). 2 submissions from 2 submitters: Uncertain significance (1). 1 of the submissions does not count toward it. Last evaluated 2022-08-22.

Conditions:
Glutaric acidemia type 2C.
Multiple acyl-CoA dehydrogenase deficiency (MADD). Also called: ETHYLMALONIC-ADIPICACIDURIA; GA II; Glutaric Acidemia type 2; Glutaric aciduria, type 2; Glutaric acidemia type II; GA 2. Identifiers: Orphanet 26791, MedGen C0268596, MONDO:0009282, OMIM 231680.

Allele frequency attached by ClinVar (database versions not stated): gnomAD exomes below 0.00001; gnomAD 0.00001; TOPMed 0.00004.

Submissions (2):

Labcorp Genetics (formerly Invitae), Labcorp
Classification: Uncertain significance for Multiple acyl-CoA dehydrogenase deficiency. Last evaluated: 2022-08-22. Review status: criteria provided, single submitter. Criteria: Invitae Variant Classification Sherloc (09022015). Collection method: clinical testing. Allele origin: germline.
Comment: This sequence change replaces threonine, which is neutral and polar, with isoleucine, which is neutral and non-polar, at codon 230 of the ETFDH protein (p.Thr230Ile). This variant is not present in population databases (gnomAD no frequency). This variant has not been reported in the literature in individuals affected with ETFDH-related conditions. ClinVar contains an entry for this variant (Variation ID: 642422). Advanced modeling of protein sequence and biophysical properties (such as structural, functional, and spatial information, amino acid conservation, physicochemical variation, residue mobility, and thermodynamic stability) performed at Invitae indicates that this missense variant is not expected to disrupt ETFDH protein function. In summary, the available evidence is currently insufficient to determine the role of this variant in disease. Therefore, it has been classified as a Variant of Uncertain Significance.

Natera, Inc.
Classification: Uncertain significance for Glutaric acidemia type 2C. Last evaluated: 2021-07-21. Review status: no assertion criteria provided. Collection method: clinical testing. Allele origin: germline. Not counted in ClinVar's aggregate classification.

NM_004453.4(ETFDH):c.689C>T (p.Thr230Ile)

Gene: ETFDH (electron transfer flavoprotein dehydrogenase; plus strand). Cytogenetic location: 4q32.1.
Variant type: single nucleotide variant.
Coding change: c.689C>T on transcript NM_004453.4 (MANE Select); coding-DNA position 689, C replaced by T.
Protein change: p.Thr230Ile; replaces threonine 230 with isoleucine.
Molecular consequence: missense variant.
Genome position (GRCh38, 1-based): chr4:158,695,501, C>T. VCF-style: chr4-158695501-C-T. GRCh37 (hg19) VCF-style: chr4-159616653-C-T.
Other names: c.548C>T, p.Thr183Ile (NM_001281737.2); c.506C>T, p.Thr169Ile (NM_001281738.1); short protein forms T169I, T183I, T230I.
Identifiers: ClinVar variation 642422 (VCV000642422.7), dbSNP rs999532162, ClinGen allele CA108811052.